The following is an entry in ClinVar:

ClinVar aggregate classification (germline): Pathogenic/Likely pathogenic. Review status: criteria provided, multiple submitters, no conflicts (2 of 4 stars). 29 submissions from 27 submitters: Pathogenic (15); Likely pathogenic (6). 8 of the submissions do not count toward it. Last evaluated 2025-12-19.

Conditions:
CRB1-related disorder. Also called: CRB1-related disorders; CRB1-related condition.
Retinal dystrophy. Also called: Inherited retinal dystrophy. Identifiers: Orphanet 71862, MedGen C0854723, MeSH D058499, MONDO:0019118, HP:0000556.
Retinitis pigmentosa 12 (RP12). Also called: RP WITH OR WITHOUT PRESERVED PARAARTERIOLE RETINAL PIGMENT EPITHELIUM; RETINITIS PIGMENTOSA WITH OR WITHOUT PARAARTERIOLAR PRESERVATION OF RETINAL PIGMENT EPITHELIUM; RP WITH OR WITHOUT PPRPE. Identifiers: Orphanet 791, MedGen C1838647, MONDO:0010818, OMIM 600105.
Leber congenital amaurosis 8 (LCA8). Identifiers: Orphanet 65, MedGen C3151202, MONDO:0013453, OMIM 613835.
Pigmented paravenous retinochoroidal atrophy. Identifiers: Orphanet 251295, MedGen C1868310, MONDO:0008246, OMIM 172870.
Retinitis pigmentosa (RP). Identifiers: Orphanet 791, MedGen C0035334, MeSH D012174, MONDO:0019200, OMIM 268000. Inheritance: Autosomal dominant, autosomal recessive and X linked inheritance.
Leber congenital amaurosis (LCA). Also called: Leber's amaurosis. Identifiers: Orphanet 65, MedGen C0339527, MeSH D057130, MONDO:0018998.
Autosomal recessive retinitis pigmentosa. Identifiers: MedGen C0339526.

Allele frequency attached by ClinVar (database versions not stated): gnomAD 0.00003; ExAC 0.00008; TOPMed 0.00015.
gnomAD v4.1: 122 of 1,613,780 alleles (0.0076%); highest among the groups gnomAD compares: African/African-American, 0.02%; no homozygotes.

Submissions 1 to 16 of 29:

Labcorp Genetics (formerly Invitae), Labcorp
Classification: Pathogenic for Leber congenital amaurosis 8; Retinitis pigmentosa 12. Last evaluated: 2025-12-19. Review status: criteria provided, single submitter. Criteria: Invitae Variant Classification Sherloc (09022015). Collection method: clinical testing. Allele origin: germline.
Comment: This sequence change replaces threonine, which is neutral and polar, with methionine, which is neutral and non-polar, at codon 745 of the CRB1 protein (p.Thr745Met). This variant is present in population databases (rs28939720, gnomAD 0.01%). This missense change has been observed in individual(s) with retinitis pigmentosa and/or Leber congenital amaurosis (PMID: 10508521, 15024725, 20956273, 23449718, 24715753). In at least one individual the data is consistent with being in trans (on the opposite chromosome) from a pathogenic variant. ClinVar contains an entry for this variant (Variation ID: 5733). Invitae Evidence Modeling of protein sequence and biophysical properties (such as structural, functional, and spatial information, amino acid conservation, physicochemical variation, residue mobility, and thermodynamic stability) indicates that this missense variant is expected to disrupt CRB1 protein function with a positive predictive value of 80%. This variant disrupts the p.Thr745 amino acid residue in CRB1. Other variant(s) that disrupt this residue have been observed in individuals with CRB1-related conditions (PMID: 10508521, 15024725, 20956273, 22968130, 23449718, 24715753), which suggests that this may be a clinically significant amino acid residue. For these reasons, this variant has been classified as Pathogenic.

Research Institute for Ophthalmology and Vision Science, Shahid Beheshti University of Medical Sciences
Classification: Pathogenic for Retinitis pigmentosa. Last evaluated: 2025-12-07. Review status: criteria provided, single submitter. Criteria: ACMG Guidelines, 2015. Collection method: research. Allele origin: germline. Inheritance: Autosomal recessive inheritance. Affected: yes.

Natera, Inc.
Classification: Pathogenic for Leber congenital amaurosis. Last evaluated: 2025-10-23. Review status: criteria provided, single submitter. Criteria: Natera Variant Classification Schema (03/2026). Collection method: clinical testing. Allele origin: germline.
Comment: The c.2234C>T variant in CRB1 is a missense variant predicted to cause substitution of threonine to methionine at amino acid 745. This variant is rare in the general population with a frequency below the threshold expected for the associated phenotype(s). This variant has been observed in one or more individuals affected with the associated recessive disease, as either homozygous or compound heterozygous with a second variant (PMID: 23379534). Computational prediction algorithms indicate this variant is likely to affect gene or protein function. Given the available evidence, this variant is classified as Pathogenic.

PreventionGenetics, part of Exact Sciences
Classification: Pathogenic for CRB1-related condition. Last evaluated: 2025-08-06. Review status: criteria provided, single submitter. Criteria: ACMG Guidelines, 2015. Collection method: clinical testing. Allele origin: germline.
Comment: The CRB1 c.2234C>T variant is predicted to result in the amino acid substitution p.Thr745Met. This variant has been reported in the homozygous state and in the heterozygous state along with a second possible causative variant in CRB1 in individuals with autosomal recessive retinal disorders (see examples: den Hollander et al. 2004. PubMed ID: 15459956; Supplementary Data, Weisschuh et al. 2020. PubMed ID: 32531858; Supplementary Data, Colombo et al. 2021. PubMed ID: 33576794; Ghofrani et al. 2017. PubMed ID: 28460491). This variant is reported in 0.010% of alleles in individuals of European (non-Finnish) descent in gnomAD. This variant is interpreted as pathogenic.

SingHealth Duke-NUS Institute of Precision Medicine
Classification: Likely pathogenic for Leber congenital amaurosis 8. Last evaluated: 2025-02-05. Review status: criteria provided, single submitter. Criteria: PRISM ACMG Classification Criteria. Collection method: clinical testing. Allele origin: germline. Affected: yes.
Comment: Variant is located in a mutational hotspot where >50% of variants are pathogenic (PM1). Homozygous allele count in gnomAD exomes and genomes are less than 0 (PM2). Other variants at this amino acid residue have been classified as pathogenic/likely pathogenic (PM5, p.Thr745Lys). REVEL score is 0.807 (PP3_mod).

Dubai Health Genomic Medicine Center, Dubai Health
Classification: Pathogenic for Leber congenital amaurosis 8. Last evaluated: 2024-10-04. Review status: criteria provided, single submitter. Criteria: ACMG Guidelines, 2015. Collection method: research. Allele origin: germline. Affected: yes.
Comment: PM5,PM3(strong),PM2,PP3,PM1,PP2

Fulgent Genetics
Classification: Pathogenic for Pigmented paravenous retinochoroidal atrophy; Retinitis pigmentosa 12; Leber congenital amaurosis 8. Last evaluated: 2024-05-20. Review status: criteria provided, single submitter. Criteria: ACMG Guidelines, 2015. Collection method: clinical testing. Allele origin: germline.

Genomic Medicine Center of Excellence, King Faisal Specialist Hospital and Research Centre
Classification: Pathogenic for Retinitis pigmentosa 12. Last evaluated: 2024-03-17. Review status: criteria provided, single submitter. Criteria: ACMG Guidelines, 2015. Collection method: research. Allele origin: germline.

Baylor Genetics
Classification: Pathogenic for Leber congenital amaurosis 8. Last evaluated: 2024-03-16. Review status: criteria provided, single submitter. Criteria: ACMG Guidelines, 2015. Collection method: clinical testing. Allele origin: unknown.

Blueprint Genetics
Classification: Pathogenic for CRB1-related disorders. Last evaluated: 2023-10-04. Review status: criteria provided, single submitter. Criteria: ACMG Guidelines, 2015. Collection method: clinical testing. Allele origin: germline. Affected: yes. Observed: 5 variant alleles.

GeneDx
Classification: Pathogenic. Last evaluated: 2023-06-13. Review status: criteria provided, single submitter. Criteria: GeneDx Variant Classification Process June 2021. Collection method: clinical testing. Allele origin: germline. Affected: yes.
Comment: In silico analysis supports that this missense variant has a deleterious effect on protein structure/function; This variant is associated with the following publications: (PMID: 28460491, 28341475, 32531858, 31725702, 28600779, 24715753, 23590195, 18723146, 20079931, 23105016, 21151602, 20956273, 23362850, 29869924, 28559085, 32176805, 31589614, 33576794, 33090715, 33029571, 33342761, 33077954, 35119454, 31879567, 34884448, 10508521)

Genome-Nilou Lab
Classification: Likely pathogenic for Leber congenital amaurosis 8. Last evaluated: 2023-04-11. Review status: criteria provided, single submitter. Criteria: ACMG Guidelines, 2015. Collection method: clinical testing. Allele origin: germline. Affected: no.

Genome-Nilou Lab
Classification: Likely pathogenic for Pigmented paravenous retinochoroidal atrophy. Last evaluated: 2023-04-11. Review status: criteria provided, single submitter. Criteria: ACMG Guidelines, 2015. Collection method: clinical testing. Allele origin: germline. Affected: no.

Genome-Nilou Lab
Classification: Likely pathogenic for Retinitis pigmentosa 12. Last evaluated: 2023-04-11. Review status: criteria provided, single submitter. Criteria: ACMG Guidelines, 2015. Collection method: clinical testing. Allele origin: germline. Affected: no.

Mendelics
Classification: Pathogenic for Pigmented paravenous retinochoroidal atrophy. Last evaluated: 2022-05-04. Review status: criteria provided, single submitter. Criteria: Mendelics Assertion Criteria 2019. Collection method: clinical testing. Allele origin: germline.

3billion
Classification: Likely pathogenic for Leber congenital amaurosis 8. Last evaluated: 2022-01-03. Review status: criteria provided, single submitter. Criteria: ACMG Guidelines, 2015. Collection method: clinical testing. Allele origin: germline. Affected: yes. Observed: 1 homozygote.
Comment: Same nucleotide change resulting in same amino acid change has been previously reported as pathogenic/likely pathogenic with strong evidence (ClinVar ID: VCV000005733, PMID:10508521, PS1_S). A different missense change at the same codon has been reported to be associated with CRB1 related disorder (ClinVar ID: VCV000973910,VCV000973930, PMID:22968130, PM5_P). In silico tool predictions suggest damaging effect of the variant on gene or gene product (REVEL: 0.807, 3CNET: 0.984, PP3_P). It is observed at an extremely low frequency in the gnomAD v2.1.1 dataset (total allele frequency: 0.000064, PM2_M). Therefore, this variant is classified as likely pathogenic according to the recommendation of ACMG/AMP guideline.

NM_201253.3(CRB1):c.2234C>T (p.Thr745Met)

Gene: CRB1 (crumbs cell polarity complex component 1; plus strand). Cytogenetic location: 1q31.3.
Variant type: single nucleotide variant.
Coding change: c.2234C>T on transcript NM_201253.3 (MANE Select); coding-DNA position 2234, C replaced by T.
Protein change: p.Thr745Met; replaces threonine 745 with methionine.
Molecular consequence: missense variant. On other transcripts: non-coding transcript variant (2), intron variant (1).
Genome position (GRCh38, 1-based): chr1:197,427,559, C>T. VCF-style: chr1-197427559-C-T. GRCh37 (hg19) VCF-style: chr1-197396689-C-T.
Other names: c.1898C>T, p.Thr633Met (NM_001193640.2); c.2027C>T, p.Thr676Met (NM_001257965.2); c.2128+5603C>T (NM_001257966.2); short protein forms T745M, T633M, T676M.
Identifiers: ClinVar variation 5733 (VCV000005733.81), dbSNP rs28939720, ClinGen allele CA228003.